The following is an entry in ClinVar:

ClinVar aggregate classification (germline): Uncertain significance (1 of 4 stars; one submission).

Conditions:
Idiopathic generalized epilepsy. Also called: EIG; Generalised epilepsy. Identifiers: MedGen C0270850, MONDO:0005579, OMIM 600669.
Hyperaldosteronism, familial, type IV (HALD4). Also called: FH IV; ALDOSTERONISM, PRIMARY, AND HYPERTENSION. Identifiers: Orphanet 642671, MedGen C4310756, MONDO:0014875, OMIM 617027.

Submission:

Labcorp Genetics (formerly Invitae), Labcorp
Classification: Uncertain significance for Idiopathic generalized epilepsy; Hyperaldosteronism, familial, type IV. Last evaluated: 2019-11-18. Review status: criteria provided, single submitter. Criteria: Invitae Variant Classification Sherloc (09022015). Collection method: clinical testing. Allele origin: germline.
Comment: This variant results in a copy number gain of the genomic region encompassing exons 3-35 of the CACNA1H gene. The 5' boundary is likely confined to intron 2. The 3' end of this event is unknown as it extends beyond the assayed region for this gene and therefore may encompass additional genes. As the precise location of this event is unknown, it may be in tandem or it may be located elsewhere in the genome. This variant has not been reported in the literature in individuals with CACNA1H-related conditions. In summary, the available evidence is currently insufficient to determine the role of this variant in disease. Therefore, it has been classified as a Variant of Uncertain Significance.

NC_000016.10:g.(?_1194952)_(1221014_?)dup

Gene: CACNA1H (calcium voltage-gated channel subunit alpha1 H; plus strand). Cytogenetic location: 16p13.3.
Variant type: Duplication.
Identifiers: ClinVar variation 832344 (VCV000832344.2).